The following is an entry in ClinVar:

NM_006218.4(PIK3CA):c.1069C>G (p.Arg357Gly)

Gene: PIK3CA (phosphatidylinositol-4,5-bisphosphate 3-kinase catalytic subunit alpha; plus strand). Cytogenetic location: 3q26.32.
Variant type: single nucleotide variant.
Coding change: c.1069C>G on transcript NM_006218.4 (MANE Select); coding-DNA position 1069, C replaced by G.
Protein change: p.Arg357Gly; replaces arginine 357 with glycine.
Molecular consequence: missense variant.
Genome position (GRCh38, 1-based): chr3:179,204,512, C>G. VCF-style: chr3-179204512-C-G. GRCh37 (hg19) VCF-style: chr3-178922300-C-G.
Other names: short protein forms R357G.
Identifiers: ClinVar variation 3777565 (VCV003777565.2).

ClinVar aggregate classification (germline): Uncertain significance (1 of 4 stars; one submission).

Submission:

GeneDx
Classification: Uncertain significance. Last evaluated: 2025-08-26. Review status: criteria provided, single submitter. Criteria: GeneDx Variant Classification Process June 2021. Collection method: clinical testing. Allele origin: germline.
Comment: Not observed at significant frequency in large population cohorts (gnomAD); In silico analysis supports that this missense variant has a deleterious effect on protein structure/function; Has not been previously published as pathogenic or benign to our knowledge